The following is an entry in ClinVar:

ClinVar aggregate classification (germline): Uncertain significance (1 of 4 stars; one submission).

Conditions:
Cardiovascular phenotype. Identifiers: MedGen CN230736.

Submission:

Ambry Genetics
Classification: Uncertain significance for Cardiovascular phenotype. Last evaluated: 2026-06-06. Review status: criteria provided, single submitter. Criteria: Ambry Variant Classification Scheme 2023. Collection method: clinical testing. Allele origin: germline.
Comment: The p.R64K variant (also known as c.191G>A), located in coding exon 2 of the DSP gene, results from a G to A substitution at nucleotide position 191. The arginine at codon 64 is replaced by lysine, an amino acid with highly similar properties. This amino acid position is conserved. In addition, this alteration is predicted to be tolerated by in silico analysis. Based on the available evidence, the clinical significance of this variant remains unclear.

NM_004415.4(DSP):c.191G>A (p.Arg64Lys)

Gene: DSP (desmoplakin; plus strand). Cytogenetic location: 6p24.3.
Variant type: single nucleotide variant.
Coding change: c.191G>A on transcript NM_004415.4 (MANE Select); coding-DNA position 191, G replaced by A.
Protein change: p.Arg64Lys; replaces arginine 64 with lysine.
Molecular consequence: missense variant.
Genome position (GRCh38, 1-based): chr6:7,555,738, G>A. VCF-style: chr6-7555738-G-A. GRCh37 (hg19) VCF-style: chr6-7555971-G-A.
Other names: c.191G>A, p.Arg64Lys (NM_001008844.3, NM_001319034.2, NM_001406591.1); short protein forms R64K.
Identifiers: ClinVar variation 4870140 (VCV004870140.1).